The following is an entry in ClinVar:

ClinVar aggregate classification (germline): Uncertain significance (1 of 4 stars; one submission).

Allele frequency attached by ClinVar (database versions not stated): gnomAD exomes below 0.00001.
gnomAD v4.1: 2 of 1,613,934 alleles (0.00012%); highest among the groups gnomAD compares: South Asian, 0.0022%; no homozygotes.

Submission:

Labcorp Genetics (formerly Invitae), Labcorp
Classification: Uncertain significance. Last evaluated: 2023-10-03. Review status: criteria provided, single submitter. Criteria: Invitae Variant Classification Sherloc (09022015). Collection method: clinical testing. Allele origin: germline.
Comment: This sequence change falls in intron 16 of the TRPM1 gene. It does not directly change the encoded amino acid sequence of the TRPM1 protein. This variant is not present in population databases (gnomAD no frequency). This variant has not been reported in the literature in individuals affected with TRPM1-related conditions. ClinVar contains an entry for this variant (Variation ID: 2111442). Algorithms developed to predict the effect of sequence changes on RNA splicing suggest that this variant may disrupt the consensus splice site. In summary, the available evidence is currently insufficient to determine the role of this variant in disease. Therefore, it has been classified as a Variant of Uncertain Significance.

NM_001252024.2(TRPM1):c.2088-5C>T

Gene: TRPM1 (transient receptor potential cation channel subfamily M member 1; minus strand). Cytogenetic location: 15q13.3.
Variant type: single nucleotide variant.
Coding change: c.2088-5C>T on transcript NM_001252024.2 (MANE Select); 5 bases into the intron before coding-DNA position 2088, C replaced by T.
Molecular consequence: intron variant.
Genome position (GRCh38, 1-based): chr15:31,040,351, G>A on the plus strand (C>T on the coding strand, the complement: TRPM1 is on the minus strand). VCF-style: chr15-31040351-G-A. GRCh37 (hg19) VCF-style: chr15-31332554-G-A.
Other names: c.2139-5C>T (NM_001252020.2); c.2022-5C>T (NM_002420.6).
Identifiers: ClinVar variation 2111442 (VCV002111442.4), dbSNP rs2504110086, ClinGen allele CA2580089224.